The following is an entry in ClinVar:

ClinVar aggregate classification (germline): Likely pathogenic (1 of 4 stars; one submission).

Submission:

CeGaT Center for Human Genetics Tuebingen
Classification: Likely pathogenic. Last evaluated: 2025-04-01. Review status: criteria provided, single submitter. Criteria: CeGaT Center For Human Genetics Tuebingen Variant Classification Criteria Version 2. Collection method: clinical testing. Allele origin: germline. Affected: yes. Observed: 1 variant allele.
Comment: KCNQ1: PM1, PM2, PM5:Supporting, PP3, PS4:Supporting

NM_000218.3(KCNQ1):c.1095C>G (p.Asn365Lys)

Gene: KCNQ1 (potassium voltage-gated channel subfamily Q member 1; plus strand). Cytogenetic location: 11p15.5.
Variant type: single nucleotide variant.
Coding change: c.1095C>G on transcript NM_000218.3 (MANE Select); coding-DNA position 1095, C replaced by G.
Protein change: p.Asn365Lys; replaces asparagine 365 with lysine.
Molecular consequence: missense variant. On other transcripts: intron variant (2).
Genome position (GRCh38, 1-based): chr11:2,585,274, C>G. VCF-style: chr11-2585274-C-G. GRCh37 (hg19) VCF-style: chr11-2606504-C-G.
Other names: c.825C>G, p.Asn275Lys (NM_001406837.1); c.714C>G, p.Asn238Lys (NM_181798.2); c.1032+1729C>G (NM_001406836.1); c.588+1729C>G (NM_001406838.1); short protein forms N238K, N275K, N365K.
Identifiers: ClinVar variation 3898708 (VCV003898708.7).